The following is an entry in ClinVar:

ClinVar aggregate classification (germline): Likely benign (1 of 4 stars; one submission).

Allele frequency attached by ClinVar (database versions not stated): gnomAD 0.00001; TOPMed 0.00001; gnomAD exomes 0.00003 and 0.00005.
gnomAD v4.1: 39 of 1,550,448 alleles (0.0025%); highest among the groups gnomAD compares: Non-Finnish European, 0.0033%; no homozygotes.

Submission:

GeneDx
Classification: Likely benign. Last evaluated: 2017-12-20. Review status: criteria provided, single submitter. Criteria: GeneDx Variant Classification (06012015). Collection method: clinical testing. Allele origin: germline. Affected: yes.
Comment: This variant is considered likely benign or benign based on one or more of the following criteria: it is a conservative change, it occurs at a poorly conserved position in the protein, it is predicted to be benign by multiple in silico algorithms, and/or has population frequency not consistent with disease.

NM_001292063.2(OTOG):c.3834G>A (p.Val1278=)

Gene: OTOG (otogelin; plus strand). Cytogenetic location: 11p15.1.
Variant type: single nucleotide variant.
Coding change: c.3834G>A on transcript NM_001292063.2 (MANE Select); coding-DNA position 3834, G replaced by A.
Protein change: p.Val1278=; no amino-acid change (valine 1278 retained).
Molecular consequence: synonymous variant.
Genome position (GRCh38, 1-based): chr11:17,602,334, G>A. VCF-style: chr11-17602334-G-A. GRCh37 (hg19) VCF-style: chr11-17623881-G-A.
Other names: c.3870G>A, p.Val1290= (NM_001277269.2).
Identifiers: ClinVar variation 513927 (VCV000513927.1), dbSNP rs527500084, ClinGen allele CA218465515.
Genomic context (GRCh38, chr11:17,602,334, plus strand): 5'-GGCGGTGGGCGATGACATAGTCCTAGTGAGGACAGAGGATGTGGCGCCAGCAGACATTGT[G>A]AGCTTCCTGCTGACAGCTGCTCTGTACAAGGCCAAGGCCCATGGTAAGGCCCATCCCAGT-3'
Protein context (NP_001278992.1, residues 1268-1288): RTEDVAPADI[Val1278=]SFLLTAALYK